The following is an entry in ClinVar:

NM_001320.7(CSNK2B):c.582G>A (p.Pro194=)

Gene: CSNK2B (casein kinase 2 beta; plus strand). Cytogenetic location: 6p21.33.
Variant type: single nucleotide variant.
Coding change: c.582G>A on transcript NM_001320.7 (MANE Select); coding-DNA position 582, G replaced by A.
Protein change: p.Pro194=; no amino-acid change (proline 194 retained).
Molecular consequence: synonymous variant.
Genome position (GRCh38, 1-based): chr6:31,669,860, G>A. VCF-style: chr6-31669860-G-A. GRCh37 (hg19) VCF-style: chr6-31637637-G-A.
Other names: c.573G>A, p.Pro191= (NM_001282385.2).
Identifiers: ClinVar variation 2656413 (VCV002656413.24), dbSNP rs547417484, ClinGen allele CA3718699.
Genomic context (GRCh38, chr6:31,669,860, plus strand): 5'-CATGCTGCTGCCTCTCTGACCTCTGCCCTGGCCTAGGCTCTACGGTTTCAAGATCCATCC[G>A]ATGGCCTACCAGCTGCAGCTCCAAGCCGCCAGCAACTTCAAGAGCCCAGTCAAGACGATT-3'
Protein context (NP_001311.3, residues 184-204): VPRLYGFKIH[Pro194=]MAYQLQLQAA

ClinVar aggregate classification (germline): Likely benign (1 of 4 stars; one submission).

Allele frequency attached by ClinVar (database versions not stated): gnomAD exomes 0.00002; ExAC 0.00003; TOPMed 0.00006; gnomAD 0.00007; 1000 Genomes Project 30x 0.00031; 1000 Genomes Project 0.00040.

Submission:

CeGaT Center for Human Genetics Tuebingen
Classification: Likely benign. Last evaluated: 2023-09-01. Review status: criteria provided, single submitter. Criteria: CeGaT Center For Human Genetics Tuebingen Variant Classification Criteria Version 2. Collection method: clinical testing. Allele origin: germline. Affected: yes. Observed: 1 variant allele.
Comment: CSNK2B: BP4, BP7